The following is an entry in ClinVar:

ClinVar aggregate classification (germline): Conflicting classifications of pathogenicity. Review status: criteria provided, conflicting classifications (1 of 4 stars). 5 submissions from 5 submitters: Uncertain significance (1); Benign (1); Likely benign (3). Last evaluated 2025-10-03.

Conditions:
Hereditary cancer-predisposing syndrome. Also called: Tumor predisposition; Hereditary Cancer Syndrome; Hereditary neoplastic syndrome; Neoplastic Syndromes, Hereditary. Identifiers: Orphanet 140162, MedGen C0027672, MeSH D009386, MONDO:0015356.
Familial cancer of breast. Also called: BREAST CANCER, FAMILIAL; Hereditary breast cancer; hereditary breast carcinoma. Identifiers: Orphanet 227535, MedGen C0346153, MONDO:0016419, OMIM 114480. Disease mechanism: loss of function.

Submissions (5):

Quest Diagnostics Nichols Institute San Juan Capistrano
Classification: Uncertain significance. Last evaluated: 2025-10-03. Review status: criteria provided, single submitter. Criteria: Quest Diagnostics criteria. Collection method: clinical testing. Allele origin: unknown.
Comment: The CHEK2 c.1392G>A (p.Lys464=) synonymous variant has not been reported in individuals with CHEK2-related conditions in the published literature. This variant has not been reported in large, multi-ethnic general populations (Genome Aggregation Database). Analysis of this variant using software algorithms for the prediction of the effect of nucleotide changes on splicing yielded predictions that this variant does not affect CHEK2 mRNA splicing. Based on the available information, we are unable to determine the clinical significance of this variant.

Myriad Genetics, Inc.
Classification: Benign for Familial cancer of breast. Last evaluated: 2024-10-08. Review status: criteria provided, single submitter. Criteria: Myriad Autosomal Dominant, Autosomal Recessive and X-Linked Classification Criteria (2023). Collection method: clinical testing. Allele origin: unknown.
Comment: This variant is considered benign. This variant is a silent/synonymous amino acid change and it is not expected to impact splicing.

Labcorp Genetics (formerly Invitae), Labcorp
Classification: Likely benign for Familial cancer of breast. Last evaluated: 2024-05-16. Review status: criteria provided, single submitter. Criteria: Invitae Variant Classification Sherloc (09022015). Collection method: clinical testing. Allele origin: germline.

Color Diagnostics, LLC DBA Color Health
Classification: Likely benign for Hereditary cancer-predisposing syndrome. Last evaluated: 2022-05-16. Review status: criteria provided, single submitter. Criteria: ACMG Guidelines, 2015. Collection method: clinical testing. Allele origin: germline.

Ambry Genetics
Classification: Likely benign for Hereditary cancer-predisposing syndrome. Last evaluated: 2014-06-12. Review status: criteria provided, single submitter. Criteria: Ambry Variant Classification Scheme 2023. Collection method: clinical testing. Allele origin: germline.

NM_007194.4(CHEK2):c.1392G>A (p.Lys464=)

Gene: CHEK2 (checkpoint kinase 2; minus strand). Cytogenetic location: 22q12.1.
Variant type: single nucleotide variant.
Coding change: c.1392G>A on transcript NM_007194.4 (MANE Select); coding-DNA position 1392, G replaced by A.
Protein change: p.Lys464=; no amino-acid change (lysine 464 retained).
Molecular consequence: synonymous variant.
Genome position (GRCh38, 1-based): chr22:28,694,101, C>T on the plus strand (G>A on the coding strand, the complement: CHEK2 is on the minus strand). VCF-style: chr22-28694101-C-T. GRCh37 (hg19) VCF-style: chr22-29090089-C-T.
Other names: c.1521G>A, p.Lys507= (NM_001005735.3); c.729G>A, p.Lys243= (NM_001257387.3); c.1191G>A, p.Lys397= (NM_001349956.3); c.1305G>A, p.Lys435= (NM_145862.3).
Identifiers: ClinVar variation 183856 (VCV000183856.13), dbSNP rs764396738, ClinGen allele CA186770.